The following is an entry in ClinVar:

NM_022835.3(PLEKHG2):c.2794G>A (p.Val932Ile)

Gene: PLEKHG2 (pleckstrin homology and RhoGEF domain containing G2; plus strand). Cytogenetic location: 19q13.2.
Variant type: single nucleotide variant.
Coding change: c.2794G>A on transcript NM_022835.3 (MANE Select); coding-DNA position 2794, G replaced by A.
Protein change: p.Val932Ile; replaces valine 932 with isoleucine.
Molecular consequence: missense variant. On other transcripts: intron variant (1).
Genome position (GRCh38, 1-based): chr19:39,423,927, G>A. VCF-style: chr19-39423927-G-A. GRCh37 (hg19) VCF-style: chr19-39914567-G-A.
Other names: c.2617G>A, p.Val873Ile (NM_001351693.2); c.1678-1311G>A (NM_001351694.2); c.2794G>A (NM_022835.2); short protein forms V932I, V873I.
Identifiers: ClinVar variation 1352626 (VCV001352626.4), dbSNP rs148576992, ClinGen allele CA9429867.

ClinVar aggregate classification (germline): Uncertain significance. Review status: criteria provided, multiple submitters, no conflicts (2 of 4 stars). 2 submissions from 2 submitters: Uncertain significance (2). Last evaluated 2022-09-13.

Allele frequency attached by ClinVar (database versions not stated): ESP Exome Variant Server 0.00038; gnomAD 0.00040 and 0.00045; TOPMed 0.00045.
gnomAD v4.1: 1,106 of 1,614,152 alleles (0.069%); highest among the groups gnomAD compares: Non-Finnish European, 0.087%; 1 homozygote.

Submissions (2):

Labcorp Genetics (formerly Invitae), Labcorp
Classification: Uncertain significance. Last evaluated: 2022-09-13. Review status: criteria provided, single submitter. Criteria: Invitae Variant Classification Sherloc (09022015). Collection method: clinical testing. Allele origin: germline.
Comment: This sequence change replaces valine, which is neutral and non-polar, with isoleucine, which is neutral and non-polar, at codon 932 of the PLEKHG2 protein (p.Val932Ile). This variant is present in population databases (rs148576992, gnomAD 0.05%). This variant has not been reported in the literature in individuals affected with PLEKHG2-related conditions. ClinVar contains an entry for this variant (Variation ID: 1352626). Algorithms developed to predict the effect of missense changes on protein structure and function output the following: SIFT: "Tolerated"; PolyPhen-2: "Benign"; Align-GVGD: "Class C0". The isoleucine amino acid residue is found in multiple mammalian species, which suggests that this missense change does not adversely affect protein function. In summary, the available evidence is currently insufficient to determine the role of this variant in disease. Therefore, it has been classified as a Variant of Uncertain Significance.

Ambry Genetics
Classification: Uncertain significance. Last evaluated: 2022-03-29. Review status: criteria provided, single submitter. Criteria: Ambry Variant Classification Scheme 2023. Collection method: clinical testing. Allele origin: germline.